The following continues an entry in ClinVar:

NM_000088.4(COL1A1):c.1243C>T (p.Arg415Ter)

Gene: COL1A1. ClinVar aggregate classification (germline): Pathogenic. Pathogenic (14).

Submissions 6 to 15 of 15:

ARUP Laboratories, Molecular Genetics and Genomics, ARUP Laboratories
Classification: Pathogenic. Last evaluated: 2024-12-27. Review status: criteria provided, single submitter. Criteria: ARUP Molecular Germline Variant Investigation Process 2024. Collection method: clinical testing. Allele origin: germline.
Comment: The COL1A1 c.1243C>T; p.Arg415Ter variant (rs72648326, ClinVar Variation ID 425597) is reported in the literature in multiple individuals affected with osteogenesis imperfecta (Higuchi 2021, Holtz 2023, Hruskova 2016, Ju 2020, Li 2019, Li 2023, Lin 2024, Lindahl 2015, MacCarrick 2024, Mei 2022, Nadyrshina 2012, Ohata 2020, Panigrahi 2020, Reis 2005, Ries-Levavi 2024, Takeda 2022, Willing 1996, Zhang 2016, Zhytnik 2019, Zhytnik 2020) and one individual with Ehlers-Danlo syndrome (Morlino 2020). This variant is absent from the Genome Aggregation Database(v2.1.1), indicating it is not a common polymorphism. This variant induces an early termination codon and is predicted to result in a truncated protein or mRNA subject to nonsense-mediated decay. Based on available information, this variant is considered to be pathogenic. References: Higuchi Y et al. Genetic analysis in Japanese patients with osteogenesis imperfecta: Genotype and phenotype spectra in 96 probands. Mol Genet Genomic Med. 2021 Jun;9(6):e1675. PMID: 33939306. Holtz AP et al. Genetic analysis of osteogenesis imperfecta in a large Brazilian cohort. Bone. 2023 Apr;169:116683. PMID: 36709916. Hruskova L et al. Eight mutations including 5 novel ones in the COL1A1 gene in Czech patients with osteogenesis imperfecta. Biomed Pap Med Fac Univ Palacky Olomouc Czech Repub. 2016 Sep;160(3):442-7. PMID: 27132807. Ju M et al. Mutation spectrum of COL1A1/COL1A2 screening by high-resolution melting analysis of Chinese patients with osteogenesis imperfecta. J Bone Miner Metab. 2020 Mar;38(2):188-197. PMID: 31414283. Li L et al. Genotypic and phenotypic characterization of Chinese patients with osteogenesis imperfecta. Hum Mutat. 2019 May;40(5):588-600. PMID: 30715774. Li S et al. Clinical and genetic profiles of 985 Chinese families with skeletal dysplasia. Chin Med J (Engl). 2023 Jun 20;136(12):1485-1487. PMID: 37334733. Lin X et al. Genotype-phenotype relationship and comparison between eastern and western patients with osteogenesis imperfecta. J Endocrinol Invest. 2024 Jan;47(1):67-77. PMID: 37270749. Lindahl K et al. Genetic epidemiology, prevalence, and genotype-phenotype correlations in the Swedish population with osteogenesis imperfecta. Eur J Hum Genet. 2015 Aug;23(8):1042-50. PMID: 25944380. MacCarrick G et al. Clinical utility of comprehensive gene panel testing for common and rare causes of skeletal dysplasia and other skeletal disorders: Results from the largest cohort to date. Am J Med Genet A. 2024 Sep;194(9):e63646. PMID: 38702915. Mei Y et al. Comparing Clinical and Genetic Characteristics of De Novo and Inherited COL1A1/COL1A2 Variants in a Large Chinese Cohort of Osteogenesis Imperfecta. Front Endocrinol (Lausanne). 2022 Jul 14;13:935905. PMID: 35909573. Morlino S et al. COL1-related overlap disorder: A novel connective tissue disorder incorporating the osteogenesis imperfecta/Ehlers-Danlos syndrome overlap. Clin Genet. 2020 Mar;97(3):396-406. PMID: 31794058. Nadyrshina DD et al. [Studies of type I collagen (COL1A1) alpha1 chain in patients with osteogenesis imperfecta]. Genetika. 2012 Mar;48(3):372-80. Russian. PMID: 22679784. Ohata Y et al. Comprehensive genetic analyses using targeted next-generation sequencing and genotype-phenotype correlations in 53 Japanese patients with osteogenesis imperfecta. Osteoporos Int. 2019 Nov;30(11):2333-2342. Epub 2019 Jul 29. Erratum in: Osteoporos Int. 2020 Jun;31(6):1185. PMID: 31363794. Panigrahi I et al. Over-Representation of Recessive Osteogenesis Imperfecta in Asian Indian Children. J Pediatr Genet. 2020 Sep 16;11(1):81-86. PMID: 35186396. Reis FC et al. Molecular findings in Brazilian patients with osteogenesis imperfecta. J Appl Genet. 2005;46(1):105-8. PMID: 15741671. Ries-Levavi L et al. Genetic and biochemical analyses of Israeli osteogenesis imperfecta patients. Hum Mutat. 2004 Apr;23(4):399-400. PMID: 15024745. Takeda R et al. Clinical and molecular features of patients with COL1-related disorders: Implications for the wider spectrum and the risk of vascular complications. Am J Med Genet A. 2022 Sep;188(9):2560-2575. PMID: 35822426. Willing MC et al. Premature chain termination is a unifying mechanism for COL1A1 null alleles in osteogenesis imperfecta type I cell strains. Am J Hum Genet. 1996 Oct;59(4):799-809. PMID: 8808594. Zhang H et al. Clinical characteristics and the identification of novel mutations of COL1A1 and COL1A2 in 61 Chinese patients with osteogenesis imperfecta. Mol Med Rep. 2016 Nov;14(5):4918-4926. PMID: 27748872. Zhytnik L et al. COL1A1/2 Pathogenic Variants and Phenotype Characteristics in Ukrainian Osteogenesis Imperfecta Patients. Front Genet. 2019 Aug 9;10:722. PMID: 31447884. Zhytnik L et al. Inter- and Intrafamilial Phenotypic Variability in Individuals with Collagen-Related Osteogenesis Imperfecta. Clin Transl Sci. 2020 Sep;13(5):960-971. PMID: 32166892

Obstetrics Unit, Tongji Hospital, Huazhong University of Science and Technology
Classification: Pathogenic for Osteogenesis imperfecta, perinatal lethal. Last evaluated: 2024-12-25. Review status: criteria provided, single submitter. Criteria: ACMG Guidelines, 2015. Collection method: clinical testing. Allele origin: paternal. Affected: yes.
Comment: COL1A1:NM_000088.4:exon19:c.1243C>T:p.R415* Variant: pathogenic (PVS1+PM2+PS4_Moderate) Very strong evidence of pathogenicity PVS1: This variant mutates the corresponding codon to a stop codon, resulting in altered protein function; Moderate pathogenicity evidence PM2: the variant is found in the Human Exome Database (ExAC), Reference Population Thousand Genomes (1000G)and the Population Genome Mutation Frequency Database (gnomAD); Moderate evidence of pathogenicity PS4_Moderate: the literature reports a total of 6-14 cases of osteogenesis imperfecta.[PMID:15741671;27132807;31414283;31794058;15024745;25944380]; This known variant is evaluated as P in the ClinVar database; this known variant is evaluated in the HGMD database as DM [PMID:31794058;31414283;27132807;15741671;8808594]. Phenotypic match between disease characteristics and this case: partial match Mutations in the gene COL1A1 (OMIM:120150), queried in public databases, cause the autosomal dominant disorder Osteogenesis imperfecta, type I(Osteogenesis imperfecta, type I) (OMIM:166200)

GeneDx
Classification: Pathogenic. Last evaluated: 2024-07-08. Review status: criteria provided, single submitter. Criteria: GeneDx Variant Classification Process June 2021. Collection method: clinical testing. Allele origin: germline. Affected: yes.
Comment: Nonsense variant predicted to result in protein truncation or nonsense mediated decay in a gene for which loss-of-function is a known mechanism of disease; Not observed at significant frequency in large population cohorts (gnomAD); This variant is associated with the following publications: (PMID: 36709916, 37270749, 31447884, 27132807, 15741671, 8613526, 22679784, 8808594, 27748872, 31414283, 31363794, 15024745, 25944380, 31794058, 32166892, 33939306, 35909573, 35822426, 35186396, 37334733, 27535533)

Revvity Omics, Revvity
Classification: Pathogenic. Last evaluated: 2024-02-12. Review status: criteria provided, single submitter. Criteria: ACMG Guidelines, 2015. Collection method: clinical testing. Allele origin: germline.

Neuberg Centre For Genomic Medicine, NCGM
Classification: Pathogenic for Osteogenesis imperfecta, perinatal lethal. Last evaluated: 2023-06-02. Review status: criteria provided, single submitter. Criteria: ACMG Guidelines, 2015. Collection method: clinical testing. Allele origin: germline. Inheritance: Autosomal dominant inheritance. Affected: yes.
Comment: The observed stop gained variant c.1243C>T(p.Arg415Ter) in the COL1A1 gene has been reported previously in individuals affected with osteogenesis imperfecta (Zhang H, et al., 2016). This variant is absent in the gnomAD exomes. It is submitted to ClinVar as Pathogenic. Computational evidence (MutationTaster - Disease causing) predicts damaging effect on protein structure and function for this variant. This variant is predicted to cause loss of normal protein function either through protein truncation or nonsense-mediated mRNA decay. Loss of function variants have been previously reported to be disease causing. For these reasons, this variant has been classified as Pathogenic.

Fulgent Genetics
Classification: Pathogenic for Infantile cortical hyperostosis; Ehlers-Danlos syndrome, arthrochalasia type; Osteogenesis imperfecta type I; Osteogenesis imperfecta, perinatal lethal; Osteogenesis imperfecta with normal sclerae, dominant form; Osteoporosis; Osteogenesis imperfecta type III; Combined osteogenesis imperfecta and Ehlers-Danlos syndrome 1. Last evaluated: 2021-08-24. Review status: criteria provided, single submitter. Criteria: ACMG Guidelines, 2015. Collection method: clinical testing. Allele origin: unknown.

Institute of Human Genetics, University of Leipzig Medical Center
Classification: Pathogenic for Infantile cortical hyperostosis. Last evaluated: 2019-01-01. Review status: criteria provided, single submitter. Criteria: ACMG Guidelines, 2015. Collection method: clinical testing. Allele origin: unknown. Affected: yes.

Athena Diagnostics
Classification: Pathogenic. Last evaluated: 2017-06-21. Review status: criteria provided, single submitter. Criteria: Athena Diagnostics Criteria. Collection method: clinical testing. Allele origin: germline.

Juno Genomics, Hangzhou Juno Genomics, Inc
Classification: Pathogenic for Combined osteogenesis imperfecta and Ehlers-Danlos syndrome 1; Ehlers-Danlos syndrome, arthrochalasia type; Osteogenesis imperfecta type I; Osteogenesis imperfecta, perinatal lethal; Osteogenesis imperfecta type III; Osteogenesis imperfecta with normal sclerae, dominant form. Review status: criteria provided, single submitter. Criteria: ACMG Guidelines, 2015. Collection method: clinical testing. Allele origin: germline. Affected: yes.
Comment: Null variant in a gene where loss of function (LOF) is a known mechanism of disease.;Absent from controls (or at extremely low frequency if recessive) in Genome Aggregation Database, Exome Sequencing Project, 1000 Genomes Project, or Exome Aggregation Consortium.;The prevalence of the variant in affected individuals is significantly increased compared to the prevalence in controls.;Assumed de novo, but without confirmation of paternity and maternity.;Patient's phenotype or family history is highly specific for a disease with a single genetic etiology.

Department of Medical Sciences, Uppsala University
Classification: Pathogenic for OI type I. Review status: no assertion criteria provided. Collection method: clinical testing. Allele origin: paternal. Affected: yes. Observed: 1 variant allele. Not counted in ClinVar's aggregate classification.

Literature cited by the submitters: PubMed 8808594 (cited by 4 submitters); PubMed 8613526 (cited by 3 submitters); PubMed 15024745 (cited by 3 submitters); PubMed 35822426 (cited by Women's Health and Genetics/Laboratory Corporation of America, LabCorp); PubMed 25944380 (cited by 3 submitters); PubMed 7942841 (cited by Labcorp Genetics (formerly Invitae), Labcorp); PubMed 9295084 (cited by Labcorp Genetics (formerly Invitae), Labcorp); PubMed 9443882 (cited by Labcorp Genetics (formerly Invitae), Labcorp); PubMed 27132807 (cited by Labcorp Genetics (formerly Invitae), Labcorp and Athena Diagnostics); PubMed 15741671 (cited by Athena Diagnostics); PubMed 27748872 (cited by Athena Diagnostics).